The following is an entry in ClinVar:

NM_033656.4(BRWD1):c.3659+10A>C

Gene: BRWD1 (bromodomain and WD repeat domain containing 1; minus strand). Cytogenetic location: 21q22.2.
Variant type: single nucleotide variant.
Coding change: c.3659+10A>C on transcript NM_033656.4 (MANE Select); 10 bases into the intron after coding-DNA position 3659, A replaced by C.
Molecular consequence: intron variant.
Genome position (GRCh38, 1-based): chr21:39,218,142, T>G on the plus strand (A>C on the coding strand, the complement: BRWD1 is on the minus strand). VCF-style: chr21-39218142-T-G. GRCh37 (hg19) VCF-style: chr21-40590068-T-G.
Other names: c.3659+10A>C (NM_018963.5).
Identifiers: ClinVar variation 3050791 (VCV003050791.2), dbSNP rs79730388, ClinGen allele CA10026918.

ClinVar aggregate classification (germline): Benign (0 of 4 stars; one submission).

Conditions:
BRWD1-related disorder. Also called: BRWD1-related condition.

Allele frequency attached by ClinVar (database versions not stated): ExAC 0.00186; gnomAD 0.00592; TOPMed 0.00646; 1000 Genomes Project 0.00659; ESP Exome Variant Server 0.00669; 1000 Genomes Project 30x 0.00734.
gnomAD v4.1: 1,695 of 1,589,312 alleles (0.11%); highest among the groups gnomAD compares: African/African-American, 2.1%; 23 homozygotes.

Submission:

PreventionGenetics, part of Exact Sciences
Classification: Benign for BRWD1-related condition. Last evaluated: 2019-04-02. Review status: no assertion criteria provided. Collection method: clinical testing. Allele origin: germline.
Comment: This variant is classified as benign based on ACMG/AMP sequence variant interpretation guidelines (Richards et al. 2015 PMID: 25741868, with internal and published modifications).